The following is an entry in ClinVar:

NM_004168.4(SDHA):c.1821C>T (p.Ser607=)

Gene: SDHA (succinate dehydrogenase complex flavoprotein subunit A; plus strand). Cytogenetic location: 5p15.33.
Variant type: single nucleotide variant.
Coding change: c.1821C>T on transcript NM_004168.4 (MANE Select); coding-DNA position 1821, C replaced by T.
Protein change: p.Ser607=; no amino-acid change (serine 607 retained).
Molecular consequence: synonymous variant.
Genome position (GRCh38, 1-based): chr5:254,419, C>T. VCF-style: chr5-254419-C-T. GRCh37 (hg19) VCF-style: chr5-254534-C-T.
Other names: c.1677C>T, p.Ser559= (NM_001294332.2); c.1578C>T, p.Ser526= (NM_001330758.2); c.1821C>T (NM_004168.2).
Identifiers: ClinVar variation 3904479 (VCV003904479.2).
Genomic context (GRCh38, chr5:254,419, plus strand): 5'-GTAATAAGAAACGTGATGGTGTTTCTGGCCTCAGGTGCGGATTGATGAGTACGATTACTC[C>T]AAGCCCATCCAGGGGCAACAGAAGAAGCCCTTTGAGGAGCACTGGAGGAAGCACACCCTG-3'
Protein context (NP_004159.2, residues 597-617): YKVRIDEYDY[Ser607=]KPIQGQQKKP

ClinVar aggregate classification (germline): Benign/Likely benign. Review status: criteria provided, multiple submitters, no conflicts (2 of 4 stars). 2 submissions from 2 submitters: Benign (1); Likely benign (1). Last evaluated 2025-10-12.

Conditions:
Hereditary cancer-predisposing syndrome. Also called: Tumor predisposition; Neoplastic Syndromes, Hereditary; Hereditary neoplastic syndrome; Hereditary Cancer Syndrome. Identifiers: Orphanet 140162, MedGen C0027672, MeSH D009386, MONDO:0015356.
Pheochromocytoma/paraganglioma syndrome 5. Also called: Paragangliomas 5; SDHA-Related Hereditary Paraganglioma-Pheochromocytoma Syndrome. Identifiers: Orphanet 29072, MedGen C3279992, MONDO:0013602, OMIM 614165.

Submissions (2):

Ambry Genetics
Classification: Likely benign for Hereditary cancer-predisposing syndrome. Last evaluated: 2025-10-12. Review status: criteria provided, single submitter. Criteria: Ambry Variant Classification Scheme 2023. Collection method: clinical testing. Allele origin: germline.

Myriad Genetics, Inc.
Classification: Benign for Pheochromocytoma/paraganglioma syndrome 5. Last evaluated: 2025-03-11. Review status: criteria provided, single submitter. Criteria: Myriad Autosomal Dominant, Autosomal Recessive and X-Linked Classification Criteria (2023). Collection method: clinical testing. Allele origin: unknown.
Comment: This variant is considered benign. This variant is a silent/synonymous amino acid change and it is not expected to impact splicing.